The following is an entry in ClinVar:

NM_183357.3(ADCY5):c.229G>A (p.Asp77Asn)

Gene: ADCY5 (adenylate cyclase 5; minus strand). Cytogenetic location: 3q21.1.
Variant type: single nucleotide variant.
Coding change: c.229G>A on transcript NM_183357.3 (MANE Select); coding-DNA position 229, G replaced by A.
Protein change: p.Asp77Asn; replaces aspartic acid 77 with asparagine.
Molecular consequence: missense variant.
Genome position (GRCh38, 1-based): chr3:123,448,317, C>T on the plus strand (G>A on the coding strand, the complement: ADCY5 is on the minus strand). VCF-style: chr3-123448317-C-T. GRCh37 (hg19) VCF-style: chr3-123167164-C-T.
Other names: c.229G>A, p.Asp77Asn (NM_001378259.1); short protein forms D77N.
Identifiers: ClinVar variation 4801755 (VCV004801755.1).

ClinVar aggregate classification (germline): Uncertain significance (1 of 4 stars; one submission).

Submission:

Labcorp Genetics (formerly Invitae), Labcorp
Classification: Uncertain significance. Last evaluated: 2025-09-22. Review status: criteria provided, single submitter. Criteria: Invitae Variant Classification Sherloc (09022015). Collection method: clinical testing. Allele origin: germline.
Comment: This sequence change replaces aspartic acid, which is acidic and polar, with asparagine, which is neutral and polar, at codon 77 of the ADCY5 protein (p.Asp77Asn). This variant is not present in population databases (gnomAD no frequency). This variant has not been reported in the literature in individuals affected with ADCY5-related conditions. Invitae Evidence Modeling of protein sequence and biophysical properties (such as structural, functional, and spatial information, amino acid conservation, physicochemical variation, residue mobility, and thermodynamic stability) indicates that this missense variant is not expected to disrupt ADCY5 protein function with a negative predictive value of 95%. In summary, the available evidence is currently insufficient to determine the role of this variant in disease. Therefore, it has been classified as a Variant of Uncertain Significance.